The following is an entry in ClinVar:

ClinVar aggregate classification (germline): Uncertain significance (1 of 4 stars; one submission).

gnomAD v4.1: 2 of 1,491,808 alleles (0.00013%); highest among the groups gnomAD compares: Non-Finnish European, 0.00019%; no homozygotes.

Submission:

Labcorp Genetics (formerly Invitae), Labcorp
Classification: Uncertain significance. Last evaluated: 2024-02-23. Review status: criteria provided, single submitter. Criteria: Invitae Variant Classification Sherloc (09022015). Collection method: clinical testing. Allele origin: germline.
Comment: This sequence change replaces proline, which is neutral and non-polar, with threonine, which is neutral and polar, at codon 107 of the PLK4 protein (p.Pro107Thr). This variant is present in population databases (no rsID available, gnomAD 0.0009%). This variant has not been reported in the literature in individuals affected with PLK4-related conditions. ClinVar contains an entry for this variant (Variation ID: 1463351). An algorithm developed to predict the effect of missense changes on protein structure and function (PolyPhen-2) suggests that this variant is likely to be disruptive. In summary, the available evidence is currently insufficient to determine the role of this variant in disease. Therefore, it has been classified as a Variant of Uncertain Significance.

NM_014264.5(PLK4):c.319C>A (p.Pro107Thr)

Gene: PLK4 (polo like kinase 4; plus strand). Cytogenetic location: 4q28.1.
Variant type: single nucleotide variant.
Coding change: c.319C>A on transcript NM_014264.5 (MANE Select); coding-DNA position 319, C replaced by A.
Protein change: p.Pro107Thr; replaces proline 107 with threonine.
Molecular consequence: missense variant.
Genome position (GRCh38, 1-based): chr4:127,883,535, C>A. VCF-style: chr4-127883535-C-A. GRCh37 (hg19) VCF-style: chr4-128804690-C-A.
Other names: c.223C>A, p.Pro75Thr (NM_001190799.2); c.196C>A, p.Pro66Thr (NM_001190801.2); short protein forms P75T, P107T, P66T.
Identifiers: ClinVar variation 1463351 (VCV001463351.6), dbSNP rs1207830799, ClinGen allele CA358167741.